The following is an entry in ClinVar:

NM_003482.4(KMT2D):c.8753C>T (p.Pro2918Leu)

Gene: KMT2D (lysine methyltransferase 2D; minus strand). Cytogenetic location: 12q13.12.
Variant type: single nucleotide variant.
Coding change: c.8753C>T on transcript NM_003482.4 (MANE Select); coding-DNA position 8753, C replaced by T.
Protein change: p.Pro2918Leu; replaces proline 2918 with leucine.
Molecular consequence: missense variant.
Genome position (GRCh38, 1-based): chr12:49,038,603, G>A on the plus strand (C>T on the coding strand, the complement: KMT2D is on the minus strand). VCF-style: chr12-49038603-G-A. GRCh37 (hg19) VCF-style: chr12-49432386-G-A.
Other names: short protein forms P2918L.
Identifiers: ClinVar variation 4994798 (VCV004994798.1).

ClinVar aggregate classification (germline): Uncertain significance (1 of 4 stars; one submission).

Conditions:
KMT2D-related disorder. Also called: KMT2D-Related Disorders.

gnomAD v4.1: 4 of 1,612,848 alleles (0.00025%); highest among the groups gnomAD compares: South Asian, 0.0022%; no homozygotes.

Submission:

PreventionGenetics, part of Exact Sciences
Classification: Uncertain significance for KMT2D-related condition. Last evaluated: 2026-08-24. Review status: criteria provided, single submitter. Criteria: ACMG Guidelines, 2015. Collection method: clinical testing. Allele origin: germline.
Comment: The KMT2D c.8753C>T variant is predicted to result in the amino acid substitution p.Pro2918Leu. To our knowledge, this variant has not been reported in the literature. This variant is reported in 0.0033% of alleles in individuals of South Asian descent in gnomAD. At this time, the clinical significance of this variant is uncertain due to the absence of conclusive functional and genetic evidence.